The following is an entry in ClinVar:

ClinVar aggregate classification (germline): Uncertain significance. Review status: criteria provided, multiple submitters, no conflicts (2 of 4 stars). 2 submissions from 2 submitters: Uncertain significance (2). Last evaluated 2024-02-23.

Conditions:
Norman-Roberts syndrome (LIS2). Also called: Lissencephaly 2 (Norman-Roberts type). Identifiers: Orphanet 89844, MedGen C0796089, MONDO:0009760, OMIM 257320.
Familial temporal lobe epilepsy 7. Identifiers: Orphanet 101046, MedGen C4225327, MONDO:0014639, OMIM 616436.

Allele frequency attached by ClinVar (database versions not stated): gnomAD below 0.00001 and 0.00001; gnomAD exomes 0.00001 and 0.00002; ExAC 0.00003.
gnomAD v4.1: 13 of 1,614,046 alleles (0.00081%); highest among the groups gnomAD compares: South Asian, 0.013%; no homozygotes.

Submissions (2):

Labcorp Genetics (formerly Invitae), Labcorp
Classification: Uncertain significance for Familial temporal lobe epilepsy 7; Norman-Roberts syndrome. Last evaluated: 2024-02-23. Review status: criteria provided, single submitter. Criteria: Invitae Variant Classification Sherloc (09022015). Collection method: clinical testing. Allele origin: germline.
Comment: This sequence change falls in intron 46 of the RELN gene. It does not directly change the encoded amino acid sequence of the RELN protein. This variant is present in population databases (rs751104633, gnomAD 0.01%). This variant has not been reported in the literature in individuals affected with RELN-related conditions. ClinVar contains an entry for this variant (Variation ID: 944935). Algorithms developed to predict the effect of sequence changes on RNA splicing suggest that this variant may disrupt the consensus splice site. In summary, the available evidence is currently insufficient to determine the role of this variant in disease. Therefore, it has been classified as a Variant of Uncertain Significance.

Blueprint Genetics
Classification: Uncertain significance. Last evaluated: 2023-11-29. Review status: criteria provided, single submitter. Criteria: ACMG Guidelines, 2015. Collection method: clinical testing. Allele origin: germline.

NM_005045.4(RELN):c.7350-10T>A

Gene: RELN (reelin; minus strand). Cytogenetic location: 7q22.1.
Variant type: single nucleotide variant.
Coding change: c.7350-10T>A on transcript NM_005045.4 (MANE Select); 10 bases into the intron before coding-DNA position 7350, T replaced by A.
Molecular consequence: intron variant.
Genome position (GRCh38, 1-based): chr7:103,523,541, A>T on the plus strand (T>A on the coding strand, the complement: RELN is on the minus strand). VCF-style: chr7-103523541-A-T. GRCh37 (hg19) VCF-style: chr7-103163988-A-T.
Other names: c.7350-10T>A (NM_173054.3).
Identifiers: ClinVar variation 944935 (VCV000944935.8), dbSNP rs751104633, ClinGen allele CA4420750.